The following is an entry in ClinVar:

ClinVar aggregate classification (germline): Uncertain significance (1 of 4 stars; one submission).

Conditions:
Brown-Vialetto-van Laere syndrome 2. Also called: SPINOCEREBELLAR ATAXIA WITH BLINDNESS AND DEAFNESS 2; Riboflavin transporter deficiency type 2. Identifiers: Orphanet 572543, Orphanet 97229, MedGen C3553538, MONDO:0013867, OMIM 614707.

Allele frequency attached by ClinVar (database versions not stated): gnomAD exomes below 0.00001.
gnomAD v4.1: 1 of 1,613,770 alleles (0.000062%); highest among the groups gnomAD compares: Non-Finnish European, 0.000085%; no homozygotes.

Submission:

Labcorp Genetics (formerly Invitae), Labcorp
Classification: Uncertain significance for Brown-Vialetto-van Laere syndrome 2. Last evaluated: 2021-10-03. Review status: criteria provided, single submitter. Criteria: Invitae Variant Classification Sherloc (09022015). Collection method: clinical testing. Allele origin: germline.
Comment: In summary, the available evidence is currently insufficient to determine the role of this variant in disease. Therefore, it has been classified as a Variant of Uncertain Significance. Algorithms developed to predict the effect of missense changes on protein structure and function are either unavailable or do not agree on the potential impact of this missense change (SIFT: "Tolerated"; PolyPhen-2: "Possibly Damaging"; Align-GVGD: "Class C0"). This variant has not been reported in the literature in individuals affected with SLC52A2-related conditions. This variant is not present in population databases (ExAC no frequency). This sequence change replaces leucine with valine at codon 62 of the SLC52A2 protein (p.Leu62Val). The leucine residue is moderately conserved and there is a small physicochemical difference between leucine and valine.

NM_001363118.2(SLC52A2):c.184C>G (p.Leu62Val)

Gene: SLC52A2 (solute carrier family 52 member 2; plus strand). Cytogenetic location: 8q24.3.
Variant type: single nucleotide variant.
Coding change: c.184C>G on transcript NM_001363118.2 (MANE Select); coding-DNA position 184, C replaced by G.
Protein change: p.Leu62Val; replaces leucine 62 with valine.
Molecular consequence: missense variant. On other transcripts: non-coding transcript variant (1), intron variant (1).
Genome position (GRCh38, 1-based): chr8:144,359,676, C>G. VCF-style: chr8-144359676-C-G. GRCh37 (hg19) VCF-style: chr8-145583336-C-G.
Other names: c.184C>G, p.Leu62Val (NM_001253815.2, NM_001253816.2, NM_001363120.2 and 2 more transcripts); c.130+253C>G (NM_001363122.2); short protein forms L62V.
Identifiers: ClinVar variation 1390535 (VCV001390535.6), dbSNP rs1221859064, ClinGen allele CA372626323.